The following is an entry in ClinVar:

NM_000441.2(SLC26A4):c.970A>T (p.Asn324Tyr)

Gene: SLC26A4 (solute carrier family 26 member 4; plus strand). Cytogenetic location: 7q22.3.
Variant type: single nucleotide variant.
Coding change: c.970A>T on transcript NM_000441.2 (MANE Select); coding-DNA position 970, A replaced by T.
Protein change: p.Asn324Tyr; replaces asparagine 324 with tyrosine.
Molecular consequence: missense variant.
Genome position (GRCh38, 1-based): chr7:107,683,506, A>T. VCF-style: chr7-107683506-A-T. GRCh37 (hg19) VCF-style: chr7-107323951-A-T.
Other names: short protein forms N324Y.
Identifiers: ClinVar variation 43574 (VCV000043574.39), dbSNP rs36039758, ClinGen allele CA132744.

ClinVar aggregate classification (germline): Benign/Likely benign. Review status: criteria provided, multiple submitters, no conflicts (2 of 4 stars). 14 submissions from 13 submitters: Benign (7); Likely benign (2). 5 of the submissions do not count toward it. Last evaluated 2026-06-04.

Conditions:
Autosomal recessive nonsyndromic hearing loss 4 (DFNB4). Also called: NEUROSENSORY NONSYNDROMIC RECESSIVE DEAFNESS 4; Nonsyndromic enlarged vestibular aqueduct (NSEVA); Deafness, autosomal recessive 4; FOXI1-Related Pendred Syndrome; KCNJ10-Related Pendred Syndrome; DEAFNESS, AUTOSOMAL RECESSIVE 4, WITH ENLARGED VESTIBULAR AQUEDUCT, DIGENIC. Identifiers: Orphanet 90636, MedGen C3538946, MONDO:0010933, OMIM 600791.
Pendred syndrome (PDS). Also called: THYROID DYSHORMONOGENESIS 2B; THYROID HORMONOGENESIS, GENETIC DEFECT IN, 2B; DEAFNESS WITH GOITER; GOITER-DEAFNESS SYNDROME; HYPOTHYROIDISM, CONGENITAL, DUE TO DYSHORMONOGENESIS, 2B; Pendred Syndrome (PDS). Identifiers: Orphanet 705, MedGen C0271829, MONDO:0010134, OMIM 274600.

Allele frequency attached by ClinVar (database versions not stated): gnomAD 0.00983 and 0.01056; TOPMed 0.01105; gnomAD exomes 0.00243 and 0.00095; 1000 Genomes Project 30x 0.01218; ExAC 0.00311; ESP Exome Variant Server 0.00938; 1000 Genomes Project 0.01138.
gnomAD v4.1: 2,910 of 1,613,876 alleles (0.18%); highest among the groups gnomAD compares: African/African-American, 3.5%; 48 homozygotes.

Submissions (14):

Women's Health and Genetics/Laboratory Corporation of America, LabCorp
Classification: Benign. Last evaluated: 2026-06-04. Review status: criteria provided, single submitter. Criteria: LabCorp Variant Classification Summary - May 2015. Collection method: clinical testing. Allele origin: germline.
Comment: Variant summary: SLC26A4 c.970A>T (p.Asn324Tyr) results in a non-conservative amino acid change in the encoded protein sequence. Algorithms developed to predict the effect of missense changes on protein structure and function all suggest that this variant is likely to be disruptive. The variant allele was found at a frequency of 0.0024 in 250854 control chromosomes, predominantly at a frequency of 0.034 within the African or African-American subpopulation in the gnomAD database, including 5 homozygotes. The observed variant frequency within African or African-American control individuals in the gnomAD database exceeds the estimated maximal expected allele frequency for disease-causing variants in SLC26A4. c.970A>T has been observed in individual(s) affected with SLC26A4-related conditions without strong evidence for causality (example, Prasad_2004) . These report(s) do not provide unequivocal conclusions about association of the variant with disease. At least one publication reports experimental evidence evaluating an impact on protein function. These results showed no damaging effect of this variant (Wasano_2020). The following publications have been ascertained in the context of this evaluation (PMID: 14679580, 31599023). ClinVar contains an entry for this variant (Variation ID: 43574). Based on the evidence outlined above, the variant was classified as benign.

Labcorp Genetics (formerly Invitae), Labcorp
Classification: Benign. Last evaluated: 2026-02-04. Review status: criteria provided, single submitter. Criteria: Invitae Variant Classification Sherloc (09022015). Collection method: clinical testing. Allele origin: germline.

Fulgent Genetics
Classification: Likely benign for Pendred syndrome; Autosomal recessive nonsyndromic hearing loss 4. Last evaluated: 2022-02-18. Review status: criteria provided, single submitter. Criteria: ACMG Guidelines, 2015. Collection method: clinical testing. Allele origin: unknown.

Laboratory for Molecular Medicine, Mass General Brigham Personalized Medicine
Classification: Benign. Last evaluated: 2019-03-05. Review status: criteria provided, single submitter. Criteria: LMM Criteria. Collection method: clinical testing. Allele origin: germline. Observed: 21 variant alleles.
Comment: The p.Asn324Tyr variant in SLC26A4 is classified as benign because it has been identified in 3.4% (847/24956) of African chromosomes by gnomAD. ACMG/AMP criteria applied: BA1.

Illumina Laboratory Services, Illumina
Classification: Benign for Pendred syndrome. Last evaluated: 2017-04-27. Review status: criteria provided, single submitter. Criteria: ICSL Variant Classification Criteria 13 December 2019. Collection method: clinical testing. Allele origin: germline.
Comment: This variant was observed as part of a predisposition screen in an ostensibly healthy population. A literature search was performed for the gene, cDNA change, and amino acid change (where applicable). Publications were found based on this search. The evidence from the literature, in combination with allele frequency data from public databases where available, was sufficient to rule this variant out of causing disease. Therefore, this variant is classified as benign.

Illumina Laboratory Services, Illumina
Classification: Benign for Autosomal recessive nonsyndromic hearing loss 4. Last evaluated: 2017-04-27. Review status: criteria provided, single submitter. Criteria: ICSL Variant Classification Criteria 13 December 2019. Collection method: clinical testing. Allele origin: germline.
Comment: the same text as in the submission from Illumina Laboratory Services, Illumina above.

Eurofins Ntd Llc (ga)
Classification: Benign. Last evaluated: 2016-08-03. Review status: criteria provided, single submitter. Criteria: EGL Classification Definitions 2015. Collection method: clinical testing. Allele origin: germline. Observed: 1 variant allele, 1 heterozygote.

GeneDx
Classification: Benign. Last evaluated: 2015-03-03. Review status: criteria provided, single submitter. Criteria: GeneDx Variant Classification Process June 2021. Collection method: clinical testing. Allele origin: germline. Affected: yes.
Comment: This variant is associated with the following publications: (PMID: 31599023, 27771369, 30245029, 26485571, 14679580, 24224479, 20981092, 25262649)

Breakthrough Genomics
Classification: Likely benign. Review status: criteria provided, single submitter. Criteria: ACMG Guidelines, 2015. Collection method: not provided. Allele origin: germline. Inheritance: Autosomal recessive inheritance. Affected: yes.

Natera, Inc.
Classification: Benign for Pendred syndrome. Last evaluated: 2020-01-10. Review status: no assertion criteria provided. Collection method: clinical testing. Allele origin: germline. Not counted in ClinVar's aggregate classification.

National Institute of Sensory Organs, National Hospital Organization Tokyo Medical Center
Classification: other for Autosomal recessive nonsyndromic hearing loss 4. Last evaluated: 2019-08-20. Review status: no assertion criteria provided. Collection method: literature only, in vitro. Allele origin: germline. Inheritance: Autosomal recessive inheritance. Affected: yes. Functional consequence: functionally_normal. Not counted in ClinVar's aggregate classification.
Comment: Benign effect in vitro experiment

Counsyl
Classification: Likely benign for Pendred's syndrome. Last evaluated: 2014-04-26. Review status: no assertion criteria provided. Collection method: literature only. Allele origin: unknown. Inheritance: Autosomal recessive inheritance. Not counted in ClinVar's aggregate classification.

Clinical Genetics, Academic Medical Center
Classification: Likely benign. Review status: no assertion criteria provided. Collection method: clinical testing. Allele origin: germline. Affected: yes. Study: VKGL Data-share Consensus. Not counted in ClinVar's aggregate classification.

Joint Genome Diagnostic Labs from Nijmegen and Maastricht, Radboudumc and MUMC+
Classification: Benign. Review status: no assertion criteria provided. Collection method: clinical testing. Allele origin: germline. Affected: yes. Study: VKGL Data-share Consensus. Not counted in ClinVar's aggregate classification.

Literature cited by the submitters: PubMed 14679580 (cited by 5 submitters); PubMed 31599023 (cited by Women's Health and Genetics/Laboratory Corporation of America, LabCorp and National Institute of Sensory Organs, National Hospital Organization Tokyo Medical Center); PubMed 17309986 (cited by 3 submitters); PubMed 26485571 (cited by Illumina Laboratory Services, Illumina and National Institute of Sensory Organs, National Hospital Organization Tokyo Medical Center); PubMed 20668687 (cited by Illumina Laboratory Services, Illumina and Counsyl); PubMed 20981092 (cited by Illumina Laboratory Services, Illumina and National Institute of Sensory Organs, National Hospital Organization Tokyo Medical Center); PubMed 24224479 (cited by 3 submitters); PubMed 23965030 (cited by Illumina Laboratory Services, Illumina and Counsyl); PubMed 25262649 (cited by Illumina Laboratory Services, Illumina and National Institute of Sensory Organs, National Hospital Organization Tokyo Medical Center); PubMed 21704276 (cited by Illumina Laboratory Services, Illumina and Counsyl); PubMed 23401162 (cited by Illumina Laboratory Services, Illumina and Counsyl); PubMed 27771369 (cited by National Institute of Sensory Organs, National Hospital Organization Tokyo Medical Center); PubMed 30245029 (cited by National Institute of Sensory Organs, National Hospital Organization Tokyo Medical Center).